The following is an entry in ClinVar:

NM_001303052.2(MYT1L):c.1072C>T (p.Arg358Cys)

Gene: MYT1L (myelin transcription factor 1 like; minus strand). Cytogenetic location: 2p25.3.
Variant type: single nucleotide variant.
Coding change: c.1072C>T on transcript NM_001303052.2 (MANE Select); coding-DNA position 1072, C replaced by T.
Protein change: p.Arg358Cys; replaces arginine 358 with cysteine.
Molecular consequence: missense variant.
Genome position (GRCh38, 1-based): chr2:1,922,697, G>A on the plus strand (C>T on the coding strand, the complement: MYT1L is on the minus strand). VCF-style: chr2-1922697-G-A. GRCh37 (hg19) VCF-style: chr2-1926469-G-A.
Other names: c.1072C>T, p.Arg358Cys (NM_001329844.2, NM_001329845.1, NM_001329846.3 and 6 more transcripts); short protein forms R358C.
Identifiers: ClinVar variation 452650 (VCV000452650.5), dbSNP rs192615880, ClinGen allele CA1514304.

ClinVar aggregate classification (germline): Uncertain significance. Review status: criteria provided, multiple submitters, no conflicts (2 of 4 stars). 2 submissions from 2 submitters: Uncertain significance (2). Last evaluated 2022-10-26.

Conditions:
Inborn genetic diseases. Identifiers: MedGen C0950123, MeSH D030342.

Allele frequency attached by ClinVar (database versions not stated): gnomAD 0.00001; gnomAD exomes 0.00001; 1000 Genomes Project 30x 0.00016.
gnomAD v4.1: 9 of 1,613,814 alleles (0.00056%); highest among the groups gnomAD compares: East Asian, 0.0022%; no homozygotes.

Submissions (2):

Ambry Genetics
Classification: Uncertain significance for Inborn genetic diseases. Last evaluated: 2022-10-26. Review status: criteria provided, single submitter. Criteria: Ambry Variant Classification Scheme 2023. Collection method: clinical testing. Allele origin: germline.

GeneDx
Classification: Uncertain significance. Last evaluated: 2017-10-10. Review status: criteria provided, single submitter. Criteria: GeneDx Variant Classification (06012015). Collection method: clinical testing. Allele origin: germline. Affected: yes.
Comment: The R358C variant in the MYT1L gene has not been reported previously as a pathogenic variant, nor as a benign variant, to our knowledge. The R358C variant is observed in 1/22,300 (0.0045%) alleles from individuals of Finnish European background in the ExAC dataset (Lek et al., 2016). The R358C variant is a non-conservative amino acid substitution, which is likely to impact secondary protein structure as these residues differ in polarity, charge, size and/or other properties. This substitution occurs at a position that is conserved in mammals, however, in silico analysis is inconsistent in its predictions as to whether or not the variant is damaging to the protein structure/function. We interpret R358C as a variant of uncertain significance.